The following is an entry in ClinVar:

NM_001252024.2(TRPM1):c.2677C>G (p.Leu893Val)

Genes: TRPM1 (transient receptor potential cation channel subfamily M member 1; minus strand), TRPM1-AS1 (TRPM1 antisense RNA 1; plus strand). Cytogenetic location: 15q13.3.
Variant type: single nucleotide variant.
Coding change: c.2677C>G on transcript NM_001252024.2 (MANE Select); coding-DNA position 2677, C replaced by G.
Protein change: p.Leu893Val; replaces leucine 893 with valine.
Molecular consequence: missense variant.
Genome position (GRCh38, 1-based): chr15:31,035,569, G>C on the plus strand (C>G on the coding strand, the complement: TRPM1 is on the minus strand). VCF-style: chr15-31035569-G-C. GRCh37 (hg19) VCF-style: chr15-31327772-G-C.
Other names: c.2611C>G (NM_002420.4); c.2728C>G, p.Leu910Val (NM_001252020.2); c.2611C>G, p.Leu871Val (NM_002420.6); short protein forms L871V, L893V, L910V.
Identifiers: ClinVar variation 1054380 (VCV001054380.10), dbSNP rs186989078, ClinGen allele CA7452108.
Genomic context (GRCh38, chr15:31,035,569, plus strand): 5'-CGGTTAGTGGGCTGGGGGAGGCCTTTGGAGTAGCCACCTCTCGTATCTTCTCTAACGCCA[G>C]GCTCACGATGTAGGAGATGACGATCCACTCCTGGAGGGACGGCCAGCCATCCATCCGCAC-3'
Protein context (NP_001238953.1, residues 883-903): EWIVISYIVS[Leu893Val]ALEKIREILM

ClinVar aggregate classification (germline): Uncertain significance. Review status: criteria provided, multiple submitters, no conflicts (2 of 4 stars). 4 submissions from 4 submitters: Uncertain significance (4). Last evaluated 2025-11-03.

Conditions:
Inborn genetic diseases. Identifiers: MedGen C0950123, MeSH D030342.

Allele frequency attached by ClinVar (database versions not stated): gnomAD 0.00002 and 0.00001; 1000 Genomes Project 30x 0.00016; gnomAD exomes 0.00002 and 0.00001; ExAC 0.00002; TOPMed 0.00002; 1000 Genomes Project 0.00020.
gnomAD v4.1: 34 of 1,614,202 alleles (0.0021%); highest among the groups gnomAD compares: Middle Eastern, 0.066%; 2 homozygotes.

Submissions (4):

Labcorp Genetics (formerly Invitae), Labcorp
Classification: Uncertain significance. Last evaluated: 2025-11-03. Review status: criteria provided, single submitter. Criteria: Invitae Variant Classification Sherloc (09022015). Collection method: clinical testing. Allele origin: germline.
Comment: This sequence change replaces leucine, which is neutral and non-polar, with valine, which is neutral and non-polar, at codon 871 of the TRPM1 protein (p.Leu871Val). This variant is present in population databases (rs186989078, gnomAD 0.007%). This variant has not been reported in the literature in individuals affected with TRPM1-related conditions. ClinVar contains an entry for this variant (Variation ID: 1054380). Invitae Evidence Modeling of protein sequence and biophysical properties (such as structural, functional, and spatial information, amino acid conservation, physicochemical variation, residue mobility, and thermodynamic stability) has been performed for this missense variant. However, the output from this modeling did not meet the statistical confidence thresholds required to predict the impact of this variant on TRPM1 protein function. In summary, the available evidence is currently insufficient to determine the role of this variant in disease. Therefore, it has been classified as a Variant of Uncertain Significance.

Blueprint Genetics
Classification: Uncertain significance. Last evaluated: 2024-11-01. Review status: criteria provided, single submitter. Criteria: ACMG Guidelines, 2015. Collection method: clinical testing. Allele origin: germline.

Ambry Genetics
Classification: Uncertain significance for Inborn genetic diseases. Last evaluated: 2021-09-16. Review status: criteria provided, single submitter. Criteria: Ambry Variant Classification Scheme 2023. Collection method: clinical testing. Allele origin: germline.

Breakthrough Genomics
Classification: Uncertain significance. Review status: criteria provided, single submitter. Criteria: ACMG Guidelines, 2015. Collection method: not provided. Allele origin: germline. Inheritance: Unknown mechanism. Affected: yes.